The following is an entry in ClinVar:

ClinVar aggregate classification (germline): Pathogenic (1 of 4 stars; one submission).

Conditions:
Hereditary cancer-predisposing syndrome. Also called: Neoplastic Syndromes, Hereditary; Tumor predisposition; Hereditary Cancer Syndrome; Hereditary neoplastic syndrome. Identifiers: Orphanet 140162, MedGen C0027672, MeSH D009386, MONDO:0015356.

Submission:

Ambry Genetics
Classification: Pathogenic for Hereditary cancer-predisposing syndrome. Last evaluated: 2026-04-29. Review status: criteria provided, single submitter. Criteria: Ambry Variant Classification Scheme 2023. Collection method: clinical testing. Allele origin: germline.
Comment: The c.3055dupG variant, located in coding exon 19 of the RET gene, results from a duplication of G at nucleotide position 3055, causing a translational frameshift with a predicted alternate stop codon (p.A1019Gfs*7). This alteration is expected to result in loss of function by premature protein truncation or nonsense-mediated mRNA decay. Loss-of-function variants in RET are known to cause Hirschsprung disease; however, such associations with Multiple Endocrine Neoplasia Type-2 (MEN2) have not been observed (Amiel J and Lyonnet S. J Med Genet. 2001 Nov;38(11):729-39; Wagner SM et al. Clinics (Sao Paulo). 2012;67 Suppl 1(Suppl 1):77-84). Based on the supporting evidence, this variant is pathogenic for Hirschsprung disease; however, the association of this variant with MEN2 is unlikely.

NM_020975.6(RET):c.3055dup (p.Ala1019fs)

Gene: RET (ret proto-oncogene; plus strand). Cytogenetic location: 10q11.21.
Variant type: Duplication.
Coding change: c.3055dup on transcript NM_020975.6 (MANE Select); coding-DNA position 3055, one base duplicated (G; older notation c.3055dupG).
Protein change: p.Ala1019fs; shifts the reading frame from alanine 1019.
Molecular consequence: frameshift variant.
Genome position (GRCh38, 1-based): chr10:43,126,590, G duplicated. VCF-style (leftmost placement, unchanged base first): chr10-43126589-T-TG. GRCh37 (hg19) VCF-style: chr10-43622037-T-TG.
Other names: c.2158dup, p.Ala720fs (NM_001406779.1, NM_001406780.1, NM_001406781.1 and 1 more transcripts); c.2029dup, p.Ala677fs (NM_001406783.1, NM_001406786.1); c.2065dup, p.Ala689fs (NM_001406784.1); c.2038dup, p.Ala680fs (NM_001406785.1); c.2023dup, p.Ala675fs (NM_001406787.1); c.1870dup, p.Ala624fs (NM_001406788.1, NM_001406789.1, NM_001406790.1); c.1750dup, p.Ala584fs (NM_001406791.1); c.1606dup, p.Ala536fs (NM_001406792.1, NM_001406793.1, NM_001406794.1); and 11 more; short protein forms A1019fs, A536fs, A584fs, A624fs, A675fs, A677fs, A680fs, A689fs.
Identifiers: ClinVar variation 4863264 (VCV004863264.1).
Genomic context (GRCh38, chr10:43,126,589, plus strand): 5'-AGTTGTGGCACATGGCTTGGAGTGACCGGCCATCTCTGTCTTCCAGGACTACTTGGACCT[T>TG]GCGGCGTCCACTCCATCTGACTCCCTGATTTATGACGACGGCCTCTCAGAGGAGGAGACA-3'